The following is an entry in ClinVar:

NM_006493.2(CLN5):c.-115A>G

Gene: CLN5 (CLN5 lysosomal BMP synthase; plus strand). Cytogenetic location: 13q22.3.
Variant type: single nucleotide variant.
Coding change: c.-115A>G on transcript NM_006493.2; 115 bases upstream of the start codon, A replaced by G.
Genome position (GRCh38, 1-based): chr13:76,991,837, A>G. VCF-style: chr13-76991837-A-G. GRCh37 (hg19) VCF-style: chr13-77565972-A-G.
Identifiers: ClinVar variation 670727 (VCV000670727.4), dbSNP rs654196, ClinGen allele CA13793549.

ClinVar aggregate classification (germline): Benign. Review status: criteria provided, multiple submitters, no conflicts (2 of 4 stars). 2 submissions from 2 submitters: Benign (2). Last evaluated 2018-06-14.

Allele frequency attached by ClinVar (database versions not stated): 1000 Genomes Project 30x 0.30981; gnomAD 0.46545 and 0.46777; gnomAD exomes 0.60331; 1000 Genomes Project 0.31470; TOPMed 0.44158.

Submissions (2):

GeneDx
Classification: Benign. Last evaluated: 2018-06-14. Review status: criteria provided, single submitter. Criteria: GeneDx Variant Classification (06012015). Collection method: clinical testing. Allele origin: germline. Affected: yes.
Comment: This variant is considered likely benign or benign based on one or more of the following criteria: it is a conservative change, it occurs at a poorly conserved position in the protein, it is predicted to be benign by multiple in silico algorithms, and/or has population frequency not consistent with disease.

Breakthrough Genomics
Classification: Benign. Review status: criteria provided, single submitter. Criteria: ACMG Guidelines, 2015. Collection method: not provided. Allele origin: germline. Inheritance: Autosomal recessive inheritance. Affected: yes.